The following is an entry in ClinVar:

NM_007363.5(NONO):c.1210G>A (p.Ala404Thr)

Gene: NONO (non-POU domain containing octamer binding; plus strand). Cytogenetic location: Xq13.1.
Variant type: single nucleotide variant.
Coding change: c.1210G>A on transcript NM_007363.5 (MANE Select); coding-DNA position 1210, G replaced by A.
Protein change: p.Ala404Thr; replaces alanine 404 with threonine.
Molecular consequence: missense variant.
Genome position (GRCh38, 1-based): chrX:71,298,745, G>A. VCF-style: chrX-71298745-G-A. GRCh37 (hg19) VCF-style: chrX-70518595-G-A.
Other names: c.1210G>A, p.Ala404Thr (NM_001145408.2, NM_001145409.2); c.943G>A, p.Ala315Thr (NM_001145410.2); c.1210G>A (NM_001145408.1); short protein forms A315T, A404T.
Identifiers: ClinVar variation 1909437 (VCV001909437.29), dbSNP rs760469557, ClinGen allele CA10446194.

ClinVar aggregate classification (germline): Benign/Likely benign. Review status: criteria provided, multiple submitters, no conflicts (2 of 4 stars). 4 submissions from 4 submitters: Benign (1); Likely benign (2). 1 of the submissions does not count toward it. Last evaluated 2026-07-01.

Conditions:
NONO-related disorder. Also called: NONO-related condition.

Allele frequency attached by ClinVar (database versions not stated): TOPMed 0.00011; gnomAD exomes 0.00012; gnomAD 0.00013; ExAC 0.00039.
gnomAD v4.1: 157 of 1,207,527 alleles (0.013%); highest among the groups gnomAD compares: Middle Eastern, 0.16%; no homozygotes.

Submissions (4):

CeGaT Center for Human Genetics Tuebingen
Classification: Likely benign. Last evaluated: 2026-07-01. Review status: criteria provided, single submitter. Criteria: CeGaT Center For Human Genetics Tuebingen Variant Classification Criteria Version 2. Collection method: clinical testing. Allele origin: germline. Affected: yes. Observed: 3 variant alleles.
Comment: NONO: BS2

Labcorp Genetics (formerly Invitae), Labcorp
Classification: Benign. Last evaluated: 2026-01-26. Review status: criteria provided, single submitter. Criteria: Invitae Variant Classification Sherloc (09022015). Collection method: clinical testing. Allele origin: germline.

Blueprint Genetics
Classification: Likely benign. Last evaluated: 2024-10-07. Review status: criteria provided, single submitter. Criteria: ACMG Guidelines, 2015. Collection method: clinical testing. Allele origin: germline.

PreventionGenetics, part of Exact Sciences
Classification: Likely benign for NONO-related condition. Last evaluated: 2023-12-01. Review status: no assertion criteria provided. Collection method: clinical testing. Allele origin: germline. Not counted in ClinVar's aggregate classification.
Comment: This variant is classified as likely benign based on ACMG/AMP sequence variant interpretation guidelines (Richards et al. 2015 PMID: 25741868, with internal and published modifications).